The following is an entry in ClinVar:

ClinVar aggregate classification (germline): Uncertain significance (1 of 4 stars; one submission).

Conditions:
Brugada syndrome. Also called: Sudden unexpected nocturnal death syndrome; Sudden Unexplained Death Syndrome; Sudden Unexplained Nocturnal Death Syndrome (SUNDS); Sudden unexplained nocturnal death syndrome. Identifiers: Orphanet 130, MedGen C1142166, MONDO:0015263.

Submission:

Labcorp Genetics (formerly Invitae), Labcorp
Classification: Uncertain significance for Brugada syndrome. Last evaluated: 2023-10-18. Review status: criteria provided, single submitter. Criteria: Invitae Variant Classification Sherloc (09022015). Collection method: clinical testing. Allele origin: germline.
Comment: This sequence change replaces methionine, which is neutral and non-polar, with leucine, which is neutral and non-polar, at codon 386 of the KCNJ8 protein (p.Met386Leu). This variant is not present in population databases (gnomAD no frequency). This variant has not been reported in the literature in individuals affected with KCNJ8-related conditions. Advanced modeling of protein sequence and biophysical properties (such as structural, functional, and spatial information, amino acid conservation, physicochemical variation, residue mobility, and thermodynamic stability) performed at Invitae indicates that this missense variant is not expected to disrupt KCNJ8 protein function. In summary, the available evidence is currently insufficient to determine the role of this variant in disease. Therefore, it has been classified as a Variant of Uncertain Significance.

NM_004982.4(KCNJ8):c.1156A>C (p.Met386Leu)

Genes: KCNJ8 (potassium inwardly rectifying channel subfamily J member 8; minus strand), KCNJ8-AS1 (KCNJ8 antisense RNA 1; plus strand). Cytogenetic location: 12p12.1.
Variant type: single nucleotide variant.
Coding change: c.1156A>C on transcript NM_004982.4 (MANE Select); coding-DNA position 1156, A replaced by C.
Protein change: p.Met386Leu; replaces methionine 386 with leucine.
Molecular consequence: missense variant.
Genome position (GRCh38, 1-based): chr12:21,765,842, T>G on the plus strand (A>C on the coding strand, the complement: KCNJ8 is on the minus strand). VCF-style: chr12-21765842-T-G. GRCh37 (hg19) VCF-style: chr12-21918776-T-G.
Other names: short protein forms M386L.
Identifiers: ClinVar variation 2806166 (VCV002806166.3), dbSNP rs912055698, ClinGen allele CA384121691.